The following is an entry in ClinVar:

ClinVar aggregate classification (germline): Pathogenic (1 of 4 stars; one submission).

Conditions:
Long QT syndrome (LQTS). Identifiers: MedGen C0023976, MeSH D008133, MONDO:0002442. Disease mechanism: loss of function. Inheritance: Various modes of inheritance.

Submission:

Labcorp Genetics (formerly Invitae), Labcorp
Classification: Pathogenic for Long QT syndrome. Last evaluated: 2024-04-17. Review status: criteria provided, single submitter. Criteria: Invitae Variant Classification Sherloc (09022015). Collection method: clinical testing. Allele origin: germline.
Comment: This sequence change creates a premature translational stop signal (p.Gln3494Hisfs*9) in the ANK2 gene. It is expected to result in an absent or disrupted protein product. Loss-of-function variants in ANK2 are known to be pathogenic (PMID: 37195288). This variant is not present in population databases (gnomAD no frequency). This premature translational stop signal has been observed in individual(s) with ANK2-related conditions (PMID: 35982159, 35982160). For these reasons, this variant has been classified as Pathogenic.

Literature cited by the submitters: PubMed 37195288; PubMed 35982159; PubMed 35982160.

NM_001148.6(ANK2):c.10480_10481dup (p.Gln3494fs)

Gene: ANK2 (ankyrin 2; plus strand). Cytogenetic location: 4q26.
Variant type: Microsatellite.
Coding change: c.10480_10481dup on transcript NM_001148.6 (MANE Select); coding-DNA positions 10480 to 10481, 2 bases duplicated (CA; older notation c.10480_10481dupCA).
Protein change: p.Gln3494fs; shifts the reading frame from glutamine 3494.
Molecular consequence: frameshift variant. On other transcripts: intron variant (68).
Genome position (GRCh38, 1-based): chr4:113,359,098-113,359,099, CA duplicated; duplicating any 2 consecutive bases within chr4:113,359,095-113,359,099 gives the same sequence; the c. name uses the placement nearest the transcript's 3' end. VCF-style (leftmost placement, unchanged base first): chr4-113359094-G-GAC. GRCh37 (hg19) VCF-style: chr4-114280250-G-GAC.
Other names: c.4472-1728AC[3] (NM_001386144.1, NM_001354240.2, NM_001354241.2); c.1991-1728AC[3] (NM_001354279.2, NM_001354282.2); c.1976-1728AC[3] (NM_001354280.2); c.1955-1728AC[3] (NM_001354278.2, NM_001354281.2); c.827-1728AC[3] (NM_001386167.1); c.10246_10247dup, p.Gln3416fs (NM_001386142.1); c.6880_6881dup, p.Gln2294fs (NM_001386166.1); c.10621_10622dup, p.Gln3541fs (NM_001386174.1); and 35 more; short protein forms Q3416fs, Q3494fs, Q3533fs, Q3541fs, Q2294fs.
Identifiers: ClinVar variation 1483377 (VCV001483377.6), dbSNP rs2154031263, ClinGen allele CA2580616761.
Genomic context (GRCh38, chr4:113,359,094, plus strand): 5'-AAATTCCATAGAATTCTTTGAGGAGATTAGTGATGAGGCTTCCAAATTAGTGGATAGGCT[G>GAC]ACACAGTCAGAGAGGGAGCAGGAAATAGTTTCAGACGATGAAAGTAGTAGTGCCCTGGAA-3'